The following is an entry in ClinVar:

ClinVar aggregate classification (germline): Uncertain significance. Review status: criteria provided, multiple submitters, no conflicts (2 of 4 stars). 2 submissions from 2 submitters: Uncertain significance (2). Last evaluated 2025-06-27.

Conditions:
Spastic paraplegia. Identifiers: MedGen C0037772, HP:0001258.

Allele frequency attached by ClinVar (database versions not stated): gnomAD exomes below 0.00001; TOPMed below 0.00001.
gnomAD v4.1: 4 of 1,611,624 alleles (0.00025%); highest among the groups gnomAD compares: Non-Finnish European, 0.00034%; no homozygotes.

Submissions (2):

Labcorp Genetics (formerly Invitae), Labcorp
Classification: Uncertain significance for Spastic paraplegia. Last evaluated: 2025-06-27. Review status: criteria provided, single submitter. Criteria: Invitae Variant Classification Sherloc (09022015). Collection method: clinical testing. Allele origin: germline.
Comment: This sequence change replaces arginine, which is basic and polar, with cysteine, which is neutral and slightly polar, at codon 172 of the KIF5A protein (p.Arg172Cys). This variant is present in population databases (no rsID available, gnomAD 0.0009%). This variant has not been reported in the literature in individuals affected with KIF5A-related conditions. ClinVar contains an entry for this variant (Variation ID: 1025551). Invitae Evidence Modeling of protein sequence and biophysical properties (such as structural, functional, and spatial information, amino acid conservation, physicochemical variation, residue mobility, and thermodynamic stability) has been performed for this missense variant. However, the output from this modeling did not meet the statistical confidence thresholds required to predict the impact of this variant on KIF5A protein function. In summary, the available evidence is currently insufficient to determine the role of this variant in disease. Therefore, it has been classified as a Variant of Uncertain Significance.

Blueprint Genetics
Classification: Uncertain significance. Last evaluated: 2023-11-22. Review status: criteria provided, single submitter. Criteria: ACMG Guidelines, 2015. Collection method: clinical testing. Allele origin: germline.

NM_004984.4(KIF5A):c.514C>T (p.Arg172Cys)

Gene: KIF5A (kinesin family member 5A; plus strand). Cytogenetic location: 12q13.3.
Variant type: single nucleotide variant.
Coding change: c.514C>T on transcript NM_004984.4 (MANE Select); coding-DNA position 514, C replaced by T.
Protein change: p.Arg172Cys; replaces arginine 172 with cysteine.
Molecular consequence: missense variant.
Genome position (GRCh38, 1-based): chr12:57,567,138, C>T. VCF-style: chr12-57567138-C-T. GRCh37 (hg19) VCF-style: chr12-57960921-C-T.
Other names: c.247C>T, p.Arg83Cys (NM_001354705.2); short protein forms R172C, R83C.
Identifiers: ClinVar variation 1025551 (VCV001025551.9), dbSNP rs1159429693, ClinGen allele CA385497600.